The following is an entry in ClinVar:

NM_000088.4(COL1A1):c.1847C>T (p.Ala616Val)

Gene: COL1A1 (collagen type I alpha 1 chain; minus strand). Cytogenetic location: 17q21.33.
Variant type: single nucleotide variant.
Coding change: c.1847C>T on transcript NM_000088.4 (MANE Select); coding-DNA position 1847, C replaced by T.
Protein change: p.Ala616Val; replaces alanine 616 with valine.
Molecular consequence: missense variant.
Genome position (GRCh38, 1-based): chr17:50,192,825, G>A on the plus strand (C>T on the coding strand, the complement: COL1A1 is on the minus strand). VCF-style: chr17-50192825-G-A. GRCh37 (hg19) VCF-style: chr17-48270186-G-A.
Other names: short protein forms A616V.
Identifiers: ClinVar variation 4800889 (VCV004800889.1).
Genomic context (GRCh38, chr17:50,192,825, plus strand): 5'-GCTCCCCAGATCTCCCCATCAGGGACACTCACAGCAGGGCCAGGGGGTCCCTGAGCTCCA[G>A]CCTCTCCATCTTTGCCAGCAGGACCCTGCAGGGAGAGAGCAAAGGGGAACTCAGGGTTAG-3'
Protein context (NP_000079.2, residues 606-626): AVGPAGKDGE[Ala616Val]GAQGPPGPAG

ClinVar aggregate classification (germline): Uncertain significance (1 of 4 stars; one submission).

Conditions:
Osteogenesis imperfecta type I (OI1). Also called: OI, TYPE I; OSTEOGENESIS IMPERFECTA TARDA; OSTEOGENESIS IMPERFECTA WITH BLUE SCLERAE; Lobstein's Disease; Osteogenesis imperfecta type 1; Classic Non-deforming Osteogenesis Imperfecta with Blue Sclerae. Identifiers: Orphanet 216796, Orphanet 666, MedGen C0023931, MONDO:0008146, OMIM 166200. Disease mechanism: loss of function.

Submission:

Labcorp Genetics (formerly Invitae), Labcorp
Classification: Uncertain significance for Osteogenesis imperfecta type I. Last evaluated: 2025-11-12. Review status: criteria provided, single submitter. Criteria: Invitae Variant Classification Sherloc (09022015). Collection method: clinical testing. Allele origin: germline.
Comment: This sequence change replaces alanine, which is neutral and non-polar, with valine, which is neutral and non-polar, at codon 616 of the COL1A1 protein (p.Ala616Val). This variant is not present in population databases (gnomAD no frequency). This variant has not been reported in the literature in individuals affected with COL1A1-related conditions. Invitae Evidence Modeling of protein sequence and biophysical properties (such as structural, functional, and spatial information, amino acid conservation, physicochemical variation, residue mobility, and thermodynamic stability) indicates that this missense variant is not expected to disrupt COL1A1 protein function with a negative predictive value of 95%. In summary, the available evidence is currently insufficient to determine the role of this variant in disease. Therefore, it has been classified as a Variant of Uncertain Significance.